The following is an entry in ClinVar:

NM_001242957.3(MAK):c.492G>A (p.Trp164Ter)

Gene: MAK (male germ cell associated kinase; minus strand). Cytogenetic location: 6p24.2.
Variant type: single nucleotide variant.
Coding change: c.492G>A on transcript NM_001242957.3 (MANE Select); coding-DNA position 492, G replaced by A.
Protein change: p.Trp164Ter; replaces tryptophan 164 with a stop codon.
Molecular consequence: nonsense. On other transcripts: non-coding transcript variant (2).
Genome position (GRCh38, 1-based): chr6:10,803,891, C>T on the plus strand (G>A on the coding strand, the complement: MAK is on the minus strand). VCF-style: chr6-10803891-C-T. GRCh37 (hg19) VCF-style: chr6-10804124-C-T.
Other names: c.492G>A, p.Trp164Ter (NM_001242385.2, NM_005906.6); c.390G>A, p.Trp130Ter (NM_001377262.1); short protein forms W130*, W164*.
Identifiers: ClinVar variation 1422641 (VCV001422641.6), dbSNP rs1425948622, ClinGen allele CA362720720.

ClinVar aggregate classification (germline): Pathogenic (1 of 4 stars; one submission).

Allele frequency attached by ClinVar (database versions not stated): gnomAD exomes below 0.00001.
gnomAD v4.1: 2 of 1,613,770 alleles (0.00012%); highest among the groups gnomAD compares: Admixed American, 0.0017%; no homozygotes.

Submission:

Labcorp Genetics (formerly Invitae), Labcorp
Classification: Pathogenic. Last evaluated: 2022-11-22. Review status: criteria provided, single submitter. Criteria: Invitae Variant Classification Sherloc (09022015). Collection method: clinical testing. Allele origin: germline.
Comment: This sequence change creates a premature translational stop signal (p.Trp164*) in the MAK gene. It is expected to result in an absent or disrupted protein product. Loss-of-function variants in MAK are known to be pathogenic (PMID: 21148103, 21825139, 24938718, 29781741). For these reasons, this variant has been classified as Pathogenic. ClinVar contains an entry for this variant (Variation ID: 1422641). This variant has not been reported in the literature in individuals affected with MAK-related conditions. This variant is present in population databases (no rsID available, gnomAD 0.003%).

Literature cited by the submitters: PubMed 21148103; PubMed 21825139; PubMed 24938718; PubMed 29781741.